The following is an entry in ClinVar:

NM_001005273.3(CHD3):c.1322A>T (p.Glu441Val)

Gene: CHD3 (chromodomain helicase DNA binding protein 3; plus strand). Cytogenetic location: 17p13.1.
Variant type: single nucleotide variant.
Coding change: c.1322A>T on transcript NM_001005273.3 (MANE Select); coding-DNA position 1322, A replaced by T.
Protein change: p.Glu441Val; replaces glutamic acid 441 with valine.
Molecular consequence: missense variant.
Genome position (GRCh38, 1-based): chr17:7,894,969, A>T. VCF-style: chr17-7894969-A-T. GRCh37 (hg19) VCF-style: chr17-7798287-A-T.
Other names: c.1499A>T, p.Glu500Val (NM_001005271.3, NM_001437504.1); c.1487A>T, p.Glu496Val (NM_001437507.1, NM_001437508.1, NM_001437509.1); c.1322A>T, p.Glu441Val (NM_005852.4); short protein forms E441V, E496V, E500V.
Identifiers: ClinVar variation 5018795 (VCV005018795.2).

ClinVar aggregate classification (germline): Uncertain significance (1 of 4 stars; one submission).

Conditions:
Snijders Blok-Campeau syndrome. Also called: INTELLECTUAL DEVELOPMENTAL DISORDER WITH MACROCEPHALY, SPEECH DELAY, AND DYSMORPHIC FACIES. Identifiers: Orphanet 599082, MedGen C4748701, MONDO:0032600, OMIM 618205.

Submission:

Juno Genomics, Hangzhou Juno Genomics, Inc
Classification: Uncertain significance for Snijders Blok-Campeau syndrome. Review status: criteria provided, single submitter. Criteria: ACMG Guidelines, 2015. Collection method: clinical testing. Allele origin: germline.
Comment: Absent from controls (or at extremely low frequency if recessive) in Genome Aggregation Database.;Missense variant in a gene that has a low rate of benign missense variation.;Multiple lines of computational evidence suggest no impact on gene or gene product.